The following is an entry in ClinVar:

NM_000198.4(HSD3B2):c.719G>A (p.Arg240Gln)

Gene: HSD3B2 (hydroxy-delta-5-steroid dehydrogenase, 3 beta- and steroid delta-isomerase 2; plus strand). Cytogenetic location: 1p12.
Variant type: single nucleotide variant.
Coding change: c.719G>A on transcript NM_000198.4 (MANE Select); coding-DNA position 719, G replaced by A.
Protein change: p.Arg240Gln; replaces arginine 240 with glutamine.
Molecular consequence: missense variant.
Genome position (GRCh38, 1-based): chr1:119,422,220, G>A. VCF-style: chr1-119422220-G-A. GRCh37 (hg19) VCF-style: chr1-119964843-G-A.
Other names: c.719G>A, p.Arg240Gln (NM_001166120.2); short protein forms R240Q.
Identifiers: ClinVar variation 2058263 (VCV002058263.2), dbSNP rs373456025, ClinGen allele CA1036027.
Genomic context (GRCh38, chr1:119,422,220, plus strand): 5'-TCAACCCAGTCTATGTTGGCAACGTGGCCTGGGCCCACATTCTGGCCTTGAGGGCTCTGC[G>A]GGACCCCAAGAAGGCCCCAAGTGTCCGAGGTCAATTCTATTACATCTCAGATGACACGCC-3'
Protein context (NP_000189.1, residues 230-250): WAHILALRAL[Arg240Gln]DPKKAPSVRG

ClinVar aggregate classification (germline): Uncertain significance. Review status: criteria provided, multiple submitters, no conflicts (2 of 4 stars). 2 submissions from 2 submitters: Uncertain significance (2). Last evaluated 2024-01-20.

Conditions:
3 beta-Hydroxysteroid dehydrogenase deficiency. Also called: 3-BETA-HSD DEFICIENCY; ADRENAL HYPERPLASIA II; Congenital adrenal hyperplasia due to 3-beta-hydroxysteroid dehydrogenase deficiency; 3b-hydroxysteroid dehydrogenase deficiency; ADRENAL HYPERPLASIA, CONGENITAL, DUE TO 3-BETA-HYDROXYSTEROID DEHYDROGENASE 2 DEFICIENCY. Identifiers: Orphanet 90791, MedGen C0342471, MeSH C538236, MONDO:0008727, OMIM 201810. Disease mechanism: loss of function.

Allele frequency attached by ClinVar (database versions not stated): TOPMed 0.00004; gnomAD 0.00005; gnomAD exomes 0.00007; ESP Exome Variant Server 0.00008; 1000 Genomes Project 30x 0.00016; ExAC 0.00016; 1000 Genomes Project 0.00020.
gnomAD v4.1: 121 of 1,613,958 alleles (0.0075%); highest among the groups gnomAD compares: South Asian, 0.044%; no homozygotes.

Submissions (2):

Fulgent Genetics
Classification: Uncertain significance for 3 beta-Hydroxysteroid dehydrogenase deficiency. Last evaluated: 2024-01-20. Review status: criteria provided, single submitter. Criteria: ACMG Guidelines, 2015. Collection method: clinical testing. Allele origin: germline.

Labcorp Genetics (formerly Invitae), Labcorp
Classification: Uncertain significance. Last evaluated: 2021-08-24. Review status: criteria provided, single submitter. Criteria: Invitae Variant Classification Sherloc (09022015). Collection method: clinical testing. Allele origin: germline.
Comment: This sequence change replaces arginine with glutamine at codon 240 of the HSD3B2 protein (p.Arg240Gln). The arginine residue is weakly conserved and there is a small physicochemical difference between arginine and glutamine. This variant is present in population databases (rs373456025, ExAC 0.1%). This variant has not been reported in the literature in individuals affected with HSD3B2-related conditions. Algorithms developed to predict the effect of missense changes on protein structure and function output the following: SIFT: "Tolerated"; PolyPhen-2: "Benign"; Align-GVGD: "Class C0". The glutamine amino acid residue is found in multiple mammalian species, which suggests that this missense change does not adversely affect protein function. Algorithms developed to predict the effect of sequence changes on RNA splicing suggest that this variant may create or strengthen a splice site. In summary, the available evidence is currently insufficient to determine the role of this variant in disease. Therefore, it has been classified as a Variant of Uncertain Significance.